The following is an entry in ClinVar:

NM_004370.6(COL12A1):c.74-2A>T

Gene: COL12A1 (collagen type XII alpha 1 chain; minus strand). Cytogenetic location: 6q13.
Variant type: single nucleotide variant.
Coding change: c.74-2A>T on transcript NM_004370.6 (MANE Select); the canonical splice acceptor site of the intron before coding-DNA position 74, A replaced by T.
Molecular consequence: splice acceptor variant. On other transcripts: intron variant (2).
Genome position (GRCh38, 1-based): chr6:75,194,949, T>A on the plus strand (A>T on the coding strand, the complement: COL12A1 is on the minus strand). VCF-style: chr6-75194949-T-A. GRCh37 (hg19) VCF-style: chr6-75904665-T-A.
Other names: c.73+7771A>T (NM_001424116.1, NM_080645.3); c.74-2A>T (NM_001424115.1, NM_001424114.1, NM_001424113.1).
Identifiers: ClinVar variation 2926894 (VCV002926894.3), dbSNP rs2533631983, ClinGen allele CA364732266.

ClinVar aggregate classification (germline): Uncertain significance (1 of 4 stars; one submission).

Conditions:
Ullrich congenital muscular dystrophy 2 (UCMD2). Identifiers: Orphanet 75840, MedGen C4225314, MONDO:0014654, OMIM 616470.
Bethlem myopathy 2 (BTHLM2). Identifiers: Orphanet 536516, Orphanet 610, MedGen C4225313, MONDO:0034022, OMIM 616471.

Submission:

Labcorp Genetics (formerly Invitae), Labcorp
Classification: Uncertain significance for Bethlem myopathy 2; Ullrich congenital muscular dystrophy 2. Last evaluated: 2023-10-04. Review status: criteria provided, single submitter. Criteria: Invitae Variant Classification Sherloc (09022015). Collection method: clinical testing. Allele origin: germline.
Comment: This sequence change affects an acceptor splice site in intron 2 of the COL12A1 gene. Multiple COL12A1 isoforms have been reported, and the functional impact of this variant is uncertain (PMID: 8601036). This variant is not present in population databases (gnomAD no frequency). This variant has not been reported in the literature in individuals affected with COL12A1-related conditions. Variants that disrupt the consensus splice site are a relatively common cause of aberrant splicing (PMID: 17576681, 9536098). Algorithms developed to predict the effect of sequence changes on RNA splicing suggest that this variant may disrupt the consensus splice site. In summary, the available evidence is currently insufficient to determine the role of this variant in disease. Therefore, it has been classified as a Variant of Uncertain Significance.

Literature cited by the submitters: PubMed 8601036; PubMed 17576681; PubMed 9536098.